The following is an entry in ClinVar:

NM_001166108.2(PALLD):c.1965-12793C>A

Gene: PALLD (palladin, cytoskeletal associated protein; plus strand). Cytogenetic location: 4q32.3.
Variant type: single nucleotide variant.
Coding change: c.1965-12793C>A on transcript NM_001166108.2 (MANE Select); 12793 bases into the intron before coding-DNA position 1965, C replaced by A.
Molecular consequence: intron variant. On other transcripts: missense variant (1).
Genome position (GRCh38, 1-based): chr4:168,878,129, C>A. VCF-style: chr4-168878129-C-A. GRCh37 (hg19) VCF-style: chr4-169799280-C-A.
Other names: c.238C>A, p.Pro80Thr (NM_001166110.2); c.1965-12793C>A (NM_016081.4); c.819-12793C>A (NM_001166109.2); c.-157-12793C>A (NM_001367570.1, NM_001367568.1, NM_001367567.1 and 1 more transcripts); short protein forms P80T.
Identifiers: ClinVar variation 5026205 (VCV005026205.1).

ClinVar aggregate classification (germline): Uncertain significance (1 of 4 stars; one submission).

Submission:

Ambry Genetics
Classification: Uncertain significance. Last evaluated: 2026-07-31. Review status: criteria provided, single submitter. Criteria: Ambry Variant Classification Scheme 2023. Collection method: clinical testing. Allele origin: germline.
Comment: The p.P80T variant (also known as c.238C>A), located in coding exon 1 of the PALLD gene, results from a C to A substitution at nucleotide position 238. The proline at codon 80 is replaced by threonine, an amino acid with highly similar properties. This amino acid position is conserved. In addition, this alteration is predicted to be tolerated by in silico analysis. Based on the available evidence, the clinical significance of this variant remains unclear.